The following is an entry in ClinVar:

NM_000170.3(GLDC):c.471-1G>T

Gene: GLDC (glycine decarboxylase; minus strand). Cytogenetic location: 9p24.1.
Variant type: single nucleotide variant.
Coding change: c.471-1G>T on transcript NM_000170.3 (MANE Select); the canonical splice acceptor site of the intron before coding-DNA position 471, G replaced by T.
Molecular consequence: splice acceptor variant.
Genome position (GRCh38, 1-based): chr9:6,610,357, C>A on the plus strand (G>T on the coding strand, the complement: GLDC is on the minus strand). VCF-style: chr9-6610357-C-A. GRCh37 (hg19) VCF-style: chr9-6610357-C-A.
Identifiers: ClinVar variation 2855526 (VCV002855526.3), dbSNP rs1818826951, ClinGen allele CA372898710.

ClinVar aggregate classification (germline): Likely pathogenic (1 of 4 stars; one submission).

Conditions:
Glycine encephalopathy. Also called: Nonketotic hyperglycinemia; Non-ketotic hyperglycinemia. Identifiers: Orphanet 407, MedGen C0751748, MONDO:0011612, HP:0008288.

Submission:

Labcorp Genetics (formerly Invitae), Labcorp
Classification: Likely pathogenic for Glycine encephalopathy. Last evaluated: 2023-04-12. Review status: criteria provided, single submitter. Criteria: Invitae Variant Classification Sherloc (09022015). Collection method: clinical testing. Allele origin: germline.
Comment: This variant is not present in population databases (gnomAD no frequency). In summary, the currently available evidence indicates that the variant is pathogenic, but additional data are needed to prove that conclusively. Therefore, this variant has been classified as Likely Pathogenic. Algorithms developed to predict the effect of sequence changes on RNA splicing suggest that this variant may disrupt the consensus splice site. This variant has not been reported in the literature in individuals affected with GLDC-related conditions. This sequence change affects an acceptor splice site in intron 3 of the GLDC gene. It is expected to disrupt RNA splicing. Variants that disrupt the donor or acceptor splice site typically lead to a loss of protein function (PMID: 16199547), and loss-of-function variants in GLDC are known to be pathogenic (PMID: 16601880).

Literature cited by the submitters: PubMed 16199547; PubMed 16601880.